The following is an entry in ClinVar:

NM_001355436.2(SPTB):c.3764+1G>A

Gene: SPTB (spectrin beta, erythrocytic; minus strand). Cytogenetic location: 14q23.3.
Variant type: single nucleotide variant.
Coding change: c.3764+1G>A on transcript NM_001355436.2 (MANE Select); the canonical splice donor site of the intron after coding-DNA position 3764, G replaced by A.
Molecular consequence: splice donor variant.
Genome position (GRCh38, 1-based): chr14:64,785,748, C>T on the plus strand (G>A on the coding strand, the complement: SPTB is on the minus strand). VCF-style: chr14-64785748-C-T. GRCh37 (hg19) VCF-style: chr14-65252466-C-T.
Other names: c.3764+1G>A (NM_001024858.4, NM_001355437.2).
Identifiers: ClinVar variation 2736114 (VCV002736114.4), dbSNP rs2503121282, ClinGen allele CA390045770.

ClinVar aggregate classification (germline): Pathogenic/Likely pathogenic. Review status: criteria provided, multiple submitters, no conflicts (2 of 4 stars). 2 submissions from 2 submitters: Pathogenic (1); Likely pathogenic (1). Last evaluated 2025-09-24.

Conditions:
Hereditary spherocytosis type 2. Also called: SPHEROCYTOSIS, TYPE 2, AUTOSOMAL DOMINANT. Identifiers: Orphanet 822, MedGen C2674219, MONDO:0000913, OMIM 616649.

Submissions (2):

Genesolutions, Medical Genetics Institutes, Ho Chi Minh City, Vietnam
Classification: Pathogenic for Hereditary spherocytosis type 2. Last evaluated: 2025-09-24. Review status: criteria provided, single submitter. Criteria: ACMG Guidelines, 2015. Collection method: clinical testing. Allele origin: germline. Affected: yes.

Labcorp Genetics (formerly Invitae), Labcorp
Classification: Likely pathogenic. Last evaluated: 2024-01-28. Review status: criteria provided, single submitter. Criteria: Invitae Variant Classification Sherloc (09022015). Collection method: clinical testing. Allele origin: germline.
Comment: This sequence change affects a donor splice site in intron 16 of the SPTB gene. It is expected to disrupt RNA splicing. Variants that disrupt the donor or acceptor splice site typically lead to a loss of protein function (PMID: 16199547), and loss-of-function variants in SPTB are known to be pathogenic (PMID: 1391962, 1498324, 8844207, 26830532, 27292444). This variant is not present in population databases (gnomAD no frequency). This variant has not been reported in the literature in individuals affected with SPTB-related conditions. Algorithms developed to predict the effect of sequence changes on RNA splicing suggest that this variant may disrupt the consensus splice site. In summary, the currently available evidence indicates that the variant is pathogenic, but additional data are needed to prove that conclusively. Therefore, this variant has been classified as Likely Pathogenic.

Literature cited by the submitters: PubMed 16199547 (cited by Labcorp Genetics (formerly Invitae), Labcorp); PubMed 1391962 (cited by Labcorp Genetics (formerly Invitae), Labcorp); PubMed 1498324 (cited by Labcorp Genetics (formerly Invitae), Labcorp); PubMed 8844207 (cited by Labcorp Genetics (formerly Invitae), Labcorp); PubMed 26830532 (cited by Labcorp Genetics (formerly Invitae), Labcorp); PubMed 27292444 (cited by Labcorp Genetics (formerly Invitae), Labcorp).